The following is an entry in ClinVar:

NM_014727.3(KMT2B):c.3797T>G (p.Leu1266Arg)

Gene: KMT2B (lysine methyltransferase 2B; plus strand). Cytogenetic location: 19q13.12.
Variant type: single nucleotide variant.
Coding change: c.3797T>G on transcript NM_014727.3 (MANE Select); coding-DNA position 3797, T replaced by G.
Protein change: p.Leu1266Arg; replaces leucine 1266 with arginine.
Molecular consequence: missense variant.
Genome position (GRCh38, 1-based): chr19:35,725,730, T>G. VCF-style: chr19-35725730-T-G. GRCh37 (hg19) VCF-style: chr19-36216631-T-G.
Other names: short protein forms L1266R.
Identifiers: ClinVar variation 4070622 (VCV004070622.1).

ClinVar aggregate classification (germline): Likely pathogenic (1 of 4 stars; one submission).

Submission:

GeneDx
Classification: Likely pathogenic. Last evaluated: 2024-10-28. Review status: criteria provided, single submitter. Criteria: GeneDx Variant Classification Process June 2021. Collection method: clinical testing. Allele origin: germline. Affected: yes.
Comment: Not observed at significant frequency in large population cohorts (gnomAD); In silico analysis supports that this missense variant has a deleterious effect on protein structure/function; Has not been previously published as pathogenic or benign to our knowledge